The following is an entry in ClinVar:

ClinVar aggregate classification (germline): Pathogenic (3 of 4 stars; one submission).

Conditions:
Breast-ovarian cancer, familial, susceptibility to, 1 (BROVCA1). Also called: BRCA1 Hereditary Breast and Ovarian Cancer; OVARIAN CANCER, SUSCEPTIBILITY TO. Identifiers: Orphanet 145, MedGen C2676676, MONDO:0011450, OMIM 604370. Disease mechanism: loss of function.

Submission:

Evidence-based Network for the Interpretation of Germline Mutant Alleles (ENIGMA)
Classification: Pathogenic for Breast-ovarian cancer, familial, susceptibility to, 1. Last evaluated: 2016-09-08. Review status: reviewed by expert panel. Criteria: ENIGMA BRCA1/2 Classification Criteria (2015). Collection method: curation. Allele origin: germline.
Comment: Variant allele predicted to encode a truncated non-functional protein.

NM_007294.4(BRCA1):c.5484_5485del (p.Cys1828_Glu1829delinsTer)

Gene: BRCA1 (BRCA1 DNA repair associated; minus strand). Cytogenetic location: 17q21.31.
Variant type: Microsatellite.
Coding change: c.5484_5485del on transcript NM_007294.4 (MANE Select); coding-DNA positions 5484 to 5485, 2 bases deleted (TG; older notation c.5484_5485delTG).
Protein change: p.Cys1828_Glu1829delinsTer.
Molecular consequence: nonsense. On other transcripts: frameshift variant (367), stop lost (17), non-coding transcript variant (1).
Genome position (GRCh38, 1-based): chr17:43,045,785-43,045,786, CA deleted on the plus strand (TG on the coding strand, the reverse complement: BRCA1 is on the minus strand); deleting any 2 consecutive bases within chr17:43,045,785-43,045,790 gives the same sequence; the c. name uses the placement nearest the transcript's 3' end. VCF-style (leftmost placement, unchanged base first): chr17-43045784-TCA-T. GRCh37 (hg19) VCF-style: chr17-41197801-TCA-T.
Other names: c.5484_5485delTG (NM_007294.3); c.5403_5404TG[2], p.Ter1803Argfs (NM_001407858.1, NM_001407859.1, NM_001407860.1); c.5400_5401TG[2], p.Ter1802Argfs (NM_001407861.1); c.5279_5280TG[2], p.Cys1761Terfs (NM_001407862.1); c.5276_5277TG[2], p.Cys1760Terfs (NM_001407863.1); c.5273_5274TG[2], p.Cys1759Terfs (NM_001407874.1, NM_001407875.1); c.5270_5271TG[2], p.Cys1758Terfs (NM_001407879.1, NM_001407881.1, NM_001407882.1 and 5 more transcripts); c.5267_5268TG[2], p.Cys1757Terfs (NM_001407894.1, NM_001407895.1, NM_001407896.1 and 12 more transcripts); and 87 more.
Identifiers: ClinVar variation 254470 (VCV000254470.3), dbSNP rs886038046, ClinGen allele CA10586599.
Genomic context (GRCh38, chr17:43,045,784, plus strand): 5'-TCCTGGCACTGGTAGAGTGCTACACTGTCCAACACCCACTCTCGGGTCACCACAGGTGCC[TCA>T]CACATCTGCCCAATTGCTGGAGACAGAGAACACAAGCAGAGATTAGTGTCAATTCATTCT-3'